The following is an entry in ClinVar:

ClinVar aggregate classification (germline): Pathogenic (1 of 4 stars; one submission).

Allele frequency attached by ClinVar (database versions not stated): gnomAD 0.00001; TOPMed 0.00001; ESP Exome Variant Server 0.00008.
gnomAD v4.1: 9 of 1,613,394 alleles (0.00056%); highest among the groups gnomAD compares: South Asian, 0.0055%; no homozygotes.

Submission:

Labcorp Genetics (formerly Invitae), Labcorp
Classification: Pathogenic. Last evaluated: 2023-11-27. Review status: criteria provided, single submitter. Criteria: Invitae Variant Classification Sherloc (09022015). Collection method: clinical testing. Allele origin: germline.
Comment: This sequence change creates a premature translational stop signal (p.Arg2845*) in the FREM2 gene. It is expected to result in an absent or disrupted protein product. Loss-of-function variants in FREM2 are known to be pathogenic (PMID: 18203166, 26552811). This variant is present in population databases (rs371448296, gnomAD 0.01%). This variant has not been reported in the literature in individuals affected with FREM2-related conditions. ClinVar contains an entry for this variant (Variation ID: 1926925). For these reasons, this variant has been classified as Pathogenic.

Literature cited by the submitters: PubMed 18203166; PubMed 26552811.

NM_207361.6(FREM2):c.8533C>T (p.Arg2845Ter)

Gene: FREM2 (FRAS1 related extracellular matrix 2; plus strand). Cytogenetic location: 13q13.3.
Variant type: single nucleotide variant.
Coding change: c.8533C>T on transcript NM_207361.6 (MANE Select); coding-DNA position 8533, C replaced by T.
Protein change: p.Arg2845Ter; replaces arginine 2845 with a stop codon.
Molecular consequence: nonsense.
Genome position (GRCh38, 1-based): chr13:38,876,371, C>T. VCF-style: chr13-38876371-C-T. GRCh37 (hg19) VCF-style: chr13-39450508-C-T.
Other names: short protein forms R2845*.
Identifiers: ClinVar variation 1926925 (VCV001926925.5), dbSNP rs371448296, ClinGen allele CA6956154.